The following is an entry in ClinVar:

ClinVar aggregate classification (germline): Uncertain significance. Review status: criteria provided, multiple submitters, no conflicts (2 of 4 stars). 2 submissions from 2 submitters: Uncertain significance (2). Last evaluated 2025-07-01.

Submissions (2):

CeGaT Center for Human Genetics Tuebingen
Classification: Uncertain significance. Last evaluated: 2025-07-01. Review status: criteria provided, single submitter. Criteria: CeGaT Center For Human Genetics Tuebingen Variant Classification Criteria Version 2. Collection method: clinical testing. Allele origin: germline. Affected: yes. Observed: 1 variant allele.
Comment: PLIN4: PM2, BP4

Ambry Genetics
Classification: Uncertain significance. Last evaluated: 2025-05-17. Review status: criteria provided, single submitter. Criteria: Ambry Variant Classification Scheme 2023. Collection method: clinical testing. Allele origin: germline.

NM_001367868.2(PLIN4):c.379A>C (p.Thr127Pro)

Gene: PLIN4 (perilipin 4; minus strand). Cytogenetic location: 19p13.3.
Variant type: single nucleotide variant.
Coding change: c.379A>C on transcript NM_001367868.2 (MANE Select); coding-DNA position 379, A replaced by C.
Protein change: p.Thr127Pro; replaces threonine 127 with proline.
Molecular consequence: missense variant.
Genome position (GRCh38, 1-based): chr19:4,513,581, T>G on the plus strand (A>C on the coding strand, the complement: PLIN4 is on the minus strand). VCF-style: chr19-4513581-T-G. GRCh37 (hg19) VCF-style: chr19-4513593-T-G.
Other names: NM_001080400.1:c.337A>C; c.382A>C, p.Thr128Pro (NM_001393888.1, NM_001393889.1); c.379A>C, p.Thr127Pro (NM_001393890.1, NM_001393891.1); short protein forms T128P, T127P.
Identifiers: ClinVar variation 3934500 (VCV003934500.9).